The following is an entry in ClinVar:

NM_000503.6(EYA1):c.826+1G>A

Gene: EYA1 (EYA transcriptional coactivator and phosphatase 1; minus strand). Cytogenetic location: 8q13.3.
Variant type: single nucleotide variant.
Coding change: c.826+1G>A on transcript NM_000503.6 (MANE Select); the canonical splice donor site of the intron after coding-DNA position 826, G replaced by A.
Molecular consequence: splice donor variant.
Genome position (GRCh38, 1-based): chr8:71,299,046, C>T on the plus strand (G>A on the coding strand, the complement: EYA1 is on the minus strand). VCF-style: chr8-71299046-C-T. GRCh37 (hg19) VCF-style: chr8-72211281-C-T.
Other names: c.826+1G>A (NM_001370335.1, NM_001370334.1, NM_172058.4); c.898+1G>A (NM_172059.5); c.727+1G>A (NM_001411797.1, NM_172060.4); c.460+1G>A (NM_001288575.2); c.808+1G>A (NM_001288574.2); c.895+1G>A (NM_001370336.1); c.913+1G>A (NM_001370333.1).
Identifiers: ClinVar variation 1983323 (VCV001983323.4), dbSNP rs2536797545, ClinGen allele CA371467071.
Genomic context (GRCh38, chr8:71,299,046, plus strand): 5'-AAAAATGCATTGAAACCATTGAAAATATCACCTGCAGGACTAATAATATTCACATAATTA[C>T]CTGCTGTGGGATCTGTAACTGCTTGGCTGGTGATGCCAGATGGCGGTTCTTGAAGCTGGT-3'

ClinVar aggregate classification (germline): Likely pathogenic (1 of 4 stars; one submission).

Conditions:
Melnick-Fraser syndrome (BOR). Also called: Branchiootorenal Syndrome (BORS); Branchiootorenal syndrome; Branchio-oto-renal syndrome. Identifiers: Orphanet 107, MedGen C0265234, MONDO:0007029.

Submission:

Labcorp Genetics (formerly Invitae), Labcorp
Classification: Likely pathogenic for Melnick-Fraser syndrome. Last evaluated: 2022-08-05. Review status: criteria provided, single submitter. Criteria: Invitae Variant Classification Sherloc (09022015). Collection method: clinical testing. Allele origin: germline.
Comment: In summary, the currently available evidence indicates that the variant is pathogenic, but additional data are needed to prove that conclusively. Therefore, this variant has been classified as Likely Pathogenic. Algorithms developed to predict the effect of sequence changes on RNA splicing suggest that this variant may disrupt the consensus splice site. This variant has not been reported in the literature in individuals affected with EYA1-related conditions. This variant is not present in population databases (gnomAD no frequency). This sequence change affects a donor splice site in intron 9 of the EYA1 gene. It is expected to disrupt RNA splicing. Variants that disrupt the donor or acceptor splice site typically lead to a loss of protein function (PMID: 16199547), and loss-of-function variants in EYA1 are known to be pathogenic (PMID: 10464653, 18220287).

Literature cited by the submitters: PubMed 16199547; PubMed 10464653; PubMed 18220287.